The following is an entry in ClinVar:

ClinVar aggregate classification (germline): Uncertain significance (1 of 4 stars; one submission).

Conditions:
Duchenne muscular dystrophy (DMD). Also called: MUSCULAR DYSTROPHY, PSEUDOHYPERTROPHIC PROGRESSIVE, DUCHENNE TYPE; Duchenne Muscular Dystrophy (DMD). Identifiers: Orphanet 98896, MedGen C0013264, MONDO:0010679, OMIM 310200.

Submission:

Labcorp Genetics (formerly Invitae), Labcorp
Classification: Uncertain significance for Duchenne muscular dystrophy. Last evaluated: 2022-07-14. Review status: criteria provided, single submitter. Criteria: Invitae Variant Classification Sherloc (09022015). Collection method: clinical testing. Allele origin: germline.
Comment: This variant has not been reported in the literature in individuals affected with DMD-related conditions. Algorithms developed to predict the effect of missense changes on protein structure and function are either unavailable or do not agree on the potential impact of this missense change (SIFT: "Deleterious"; PolyPhen-2: "Benign"; Align-GVGD: "Class C65"). In summary, the available evidence is currently insufficient to determine the role of this variant in disease. Therefore, it has been classified as a Variant of Uncertain Significance. This sequence change replaces arginine, which is basic and polar, with serine, which is neutral and polar, at codon 3195 of the DMD protein (p.Arg3195Ser). This variant is not present in population databases (gnomAD no frequency).

NM_004006.3(DMD):c.9583C>A (p.Arg3195Ser)

Gene: DMD (dystrophin; minus strand). Cytogenetic location: Xp21.2.
Variant type: single nucleotide variant.
Coding change: c.9583C>A on transcript NM_004006.3 (MANE Select); coding-DNA position 9583, C replaced by A.
Protein change: p.Arg3195Ser; replaces arginine 3195 with serine.
Molecular consequence: missense variant.
Genome position (GRCh38, 1-based): chrX:31,206,648, G>T on the plus strand (C>A on the coding strand, the complement: DMD is on the minus strand). VCF-style: chrX-31206648-G-T. GRCh37 (hg19) VCF-style: chrX-31224765-G-T.
Other names: c.9559C>A, p.Arg3187Ser (NM_000109.4); c.9571C>A, p.Arg3191Ser (NM_004009.3); c.9214C>A, p.Arg3072Ser (NM_004010.3); c.5560C>A, p.Arg1854Ser (NM_004011.4); c.5551C>A, p.Arg1851Ser (NM_004012.4); c.2203C>A, p.Arg735Ser (NM_004013.3, NM_004020.4, NM_004021.3 and 2 more transcripts); c.1396C>A, p.Arg466Ser (NM_004014.3); c.379C>A, p.Arg127Ser (NM_004015.3, NM_004016.3, NM_004017.3 and 2 more transcripts); short protein forms R1851S, R735S, R127S, R3072S, R3187S, R466S, R1854S, R3191S.
Identifiers: ClinVar variation 2017048 (VCV002017048.4), dbSNP rs2148564609, ClinGen allele CA412649580.